The following is an entry in ClinVar:

ClinVar aggregate classification (germline): Likely pathogenic. Review status: criteria provided, multiple submitters, no conflicts (2 of 4 stars). 2 submissions from 2 submitters: Likely pathogenic (2). Last evaluated 2025-12-30.

Conditions:
Joubert syndrome 17 (JBTS17). Identifiers: Orphanet 475, MedGen C3553264, MONDO:0013824, OMIM 614615.
Orofaciodigital syndrome type 6 (OFD6). Also called: OROFACIODIGITAL SYNDROME VI; POLYDACTYLY, CLEFT LIP/PALATE OR LINGUAL LUMP, AND PSYCHOMOTOR RETARDATION; VARADI SYNDROME; VARADI-PAPP SYNDROME; Oral-facial-digital syndrome type 6; Central polydactyly cleft lip/palate or lingual lump and psychomotor retardation. Identifiers: Orphanet 2754, MedGen C2745997, MONDO:0010176, OMIM 277170.

Allele frequency attached by ClinVar (database versions not stated): gnomAD exomes 0.00001.
gnomAD v4.1: 10 of 1,520,018 alleles (0.00066%); highest among the groups gnomAD compares: Non-Finnish European, 0.0008%; no homozygotes.

Submissions (2):

Labcorp Genetics (formerly Invitae), Labcorp
Classification: Likely pathogenic. Last evaluated: 2025-12-30. Review status: criteria provided, single submitter. Criteria: Invitae Variant Classification Sherloc (09022015). Collection method: clinical testing. Allele origin: germline.
Comment: This sequence change affects a donor splice site in intron 6 of the CPLANE1 gene. It is expected to disrupt RNA splicing. Variants that disrupt the donor or acceptor splice site typically lead to a loss of protein function (PMID: 16199547), and loss-of-function variants in CPLANE1 are known to be pathogenic (PMID: 24178751, 26092869). This variant is present in population databases (no rsID available, gnomAD 0.002%). This variant has not been reported in the literature in individuals affected with CPLANE1-related conditions. ClinVar contains an entry for this variant (Variation ID: 579431). Algorithms developed to predict the effect of sequence changes on RNA splicing suggest that this variant may disrupt the consensus splice site. In summary, the currently available evidence indicates that the variant is pathogenic, but additional data are needed to prove that conclusively. Therefore, this variant has been classified as Likely Pathogenic.

Fulgent Genetics
Classification: Likely pathogenic for Orofaciodigital syndrome type 6; Joubert syndrome 17. Last evaluated: 2024-04-05. Review status: criteria provided, single submitter. Criteria: ACMG Guidelines, 2015. Collection method: clinical testing. Allele origin: germline.

Literature cited by the submitters: PubMed 16199547 (cited by Labcorp Genetics (formerly Invitae), Labcorp); PubMed 24178751 (cited by Labcorp Genetics (formerly Invitae), Labcorp); PubMed 26092869 (cited by Labcorp Genetics (formerly Invitae), Labcorp).

NM_001384732.1(CPLANE1):c.677+1G>C

Gene: CPLANE1 (ciliogenesis and planar polarity effector complex subunit 1; minus strand). Cytogenetic location: 5p13.2.
Variant type: single nucleotide variant.
Coding change: c.677+1G>C on transcript NM_001384732.1 (MANE Select); the canonical splice donor site of the intron after coding-DNA position 677, G replaced by C.
Molecular consequence: splice donor variant.
Genome position (GRCh38, 1-based): chr5:37,243,012, C>G on the plus strand (G>C on the coding strand, the complement: CPLANE1 is on the minus strand). VCF-style: chr5-37243012-C-G. GRCh37 (hg19) VCF-style: chr5-37243114-C-G.
Other names: c.677+1G>C (NM_023073.4).
Identifiers: ClinVar variation 579431 (VCV000579431.8), dbSNP rs1414913269, ClinGen allele CA359518675.